The following is an entry in ClinVar:

ClinVar aggregate classification (germline): Conflicting classifications of pathogenicity. Review status: criteria provided, conflicting classifications (1 of 4 stars). 2 submissions from 2 submitters: Uncertain significance (1); Likely benign (1). Last evaluated 2022-11-02.

Conditions:
Glycogen storage disease, type VII (GSD7). Also called: TARUI DISEASE; GSD VII; MUSCLE PHOSPHOFRUCTOKINASE DEFICIENCY; PFKM DEFICIENCY. Identifiers: Orphanet 371, MedGen C0017926, MONDO:0009295, OMIM 232800.

Allele frequency attached by ClinVar (database versions not stated): gnomAD exomes below 0.00001.
gnomAD v4.1: 1 of 1,583,698 alleles (0.000063%); highest among the groups gnomAD compares: Non-Finnish European, 0.000087%; no homozygotes.

Submissions (2):

Labcorp Genetics (formerly Invitae), Labcorp
Classification: Likely benign for Glycogen storage disease, type VII. Last evaluated: 2022-11-02. Review status: criteria provided, single submitter. Criteria: Invitae Variant Classification Sherloc (09022015). Collection method: clinical testing. Allele origin: germline.

GeneDx
Classification: Uncertain significance. Last evaluated: 2019-09-12. Review status: criteria provided, single submitter. Criteria: GeneDx Variant Classification Process June 2021. Collection method: clinical testing. Allele origin: germline. Affected: yes.
Comment: Not observed in large population cohorts (Lek et al., 2016); Has not been previously published as pathogenic or benign to our knowledge; In-silico analysis, which includes splice predictors and evolutionary conservation, is inconclusive as to whether the variant alters gene splicing. In the absence of RNA/functional studies, the actual effect of this sequence change is unknown.

NM_000289.6(PFKM):c.639-10C>G

Gene: PFKM (phosphofructokinase, muscle; plus strand). Cytogenetic location: 12q13.11.
Variant type: single nucleotide variant.
Coding change: c.639-10C>G on transcript NM_000289.6 (MANE Select); 10 bases into the intron before coding-DNA position 639, C replaced by G.
Molecular consequence: intron variant.
Genome position (GRCh38, 1-based): chr12:48,134,711, C>G. VCF-style: chr12-48134711-C-G. GRCh37 (hg19) VCF-style: chr12-48528494-C-G.
Other names: c.663-10C>G (NM_001354741.2); c.639-10C>G (NM_001354742.2, NM_001354743.2, NM_001354744.2 and 4 more transcripts); c.489-10C>G (NM_001354747.2, NM_001354748.2); c.852-10C>G (NM_001166686.2, NM_001354737.1, NM_001354739.1 and 1 more transcripts); c.948-10C>G (NM_001354736.1, NM_001354735.1); c.783-10C>G (NM_001354740.1); c.552-10C>G (NM_001354745.2).
Identifiers: ClinVar variation 1312057 (VCV001312057.5), dbSNP rs2135915213, ClinGen allele CA2573053672.